The following is an entry in ClinVar:

NM_174936.4(PCSK9):c.658-36G>A

Gene: PCSK9 (proprotein convertase subtilisin/kexin type 9; plus strand). Cytogenetic location: 1p32.3.
Variant type: single nucleotide variant.
Coding change: c.658-36G>A on transcript NM_174936.4 (MANE Select); 36 bases into the intron before coding-DNA position 658, G replaced by A.
Molecular consequence: intron variant.
Genome position (GRCh38, 1-based): chr1:55,052,614, G>A. VCF-style: chr1-55052614-G-A. GRCh37 (hg19) VCF-style: chr1-55518287-G-A.
Identifiers: ClinVar variation 265930 (VCV000265930.5), dbSNP rs11800265, ClinGen allele CA043853.

ClinVar aggregate classification (germline): Conflicting classifications of pathogenicity. Review status: criteria provided, conflicting classifications (1 of 4 stars). 4 submissions from 4 submitters: Uncertain significance (1); Benign (1). 2 of the submissions do not count toward it. Last evaluated 2026-09-21.

Conditions:
Hypercholesterolemia, familial, 1. Also called: LDL RECEPTOR DISORDER; Hyperlipoproteinemia Type IIa; HYPER-LOW-DENSITY-LIPOPROTEINEMIA; HYPERCHOLESTEROLEMIC XANTHOMATOSIS, FAMILIAL; Fredrickson type IIa hyperlipoproteinemia; Hyperlipoproteinemia type 2. Identifiers: Orphanet 391665, MedGen C0745103, MONDO:0007750, OMIM 143890.

Allele frequency attached by ClinVar (database versions not stated): gnomAD 0.03888 and 0.03919; ExAC 0.04242; 1000 Genomes Project 30x 0.03998; TOPMed 0.04174; ESP Exome Variant Server 0.04316; 1000 Genomes Project 0.03914; gnomAD exomes 0.04166.
gnomAD v4.1: 68,307 of 1,610,610 alleles (4.2%); highest among the groups gnomAD compares: Middle Eastern, 13%; 1,652 homozygotes.

Submissions (4):

Molecular Diagnostic Laboratory for Inherited Cardiovascular Disease, Montreal Heart Institute
Classification: Benign. Last evaluated: 2026-09-21. Review status: criteria provided, single submitter. Criteria: ACMG Guidelines, 2015. Collection method: clinical testing. Allele origin: germline. Affected: no.
Comment: BA1

Cardiovascular Research Group, Instituto Nacional de Saude Doutor Ricardo Jorge
Classification: Uncertain significance for Familial hypercholesterolemia. Last evaluated: 2016-03-01. Review status: criteria provided, single submitter. Criteria: ACMG Guidelines, 2015. Collection method: research. Allele origin: germline. Affected: yes.

Clinical Genetics, Academic Medical Center
Classification: Likely benign. Review status: no assertion criteria provided. Collection method: clinical testing. Allele origin: germline. Affected: yes. Study: VKGL Data-share Consensus. Not counted in ClinVar's aggregate classification.

Diagnostic Laboratory, Department of Genetics, University Medical Center Groningen
Classification: Benign. Review status: no assertion criteria provided. Collection method: clinical testing. Allele origin: germline. Affected: yes. Study: VKGL Data-share Consensus. Not counted in ClinVar's aggregate classification.